The following is an entry in ClinVar:

ClinVar aggregate classification (germline): Likely pathogenic (1 of 4 stars; one submission).

Submission:

ARUP Laboratories, Molecular Genetics and Genomics, ARUP Laboratories
Classification: Likely pathogenic. Last evaluated: 2019-09-21. Review status: criteria provided, single submitter. Criteria: ARUP Molecular Germline Variant Investigation Process. Collection method: clinical testing. Allele origin: germline.
Comment: The COL1A1 c.3469G>C; p.Gly1157Arg variant is reported in the literature in at least one individual affected with osteogenesis imperfecta type III (Pandya 2019). This variant is absent from general population databases (Exome Variant Server, Genome Aggregation Database), indicating it is not a common polymorphism. The glycine at codon 1157 is highly conserved, and computational analyses (SIFT, PolyPhen-2) predict that this variant is deleterious. Additionally, another variant at this codon (c.3470G>A; p.Gly1157Asp) has been reported in individuals with osteogenesis imperfecta (Li 2019). Based on available information, the p.Gly1157Arg variant is considered to be likely pathogenic. References: Li L et al. Genotypic and phenotypic characterization of Chinese patients with osteogenesis imperfecta. Hum Mutat. 2019 May;40(5):588-600. Pandya PP et al. Fetal Medicine E-Book: Basic Science and Clinical Practice (3rd ed.). 2019 Elsevier Health Sciences.

NM_000088.4(COL1A1):c.3469G>C (p.Gly1157Arg)

Gene: COL1A1 (collagen type I alpha 1 chain; minus strand). Cytogenetic location: 17q21.33.
Variant type: single nucleotide variant.
Coding change: c.3469G>C on transcript NM_000088.4 (MANE Select); coding-DNA position 3469, G replaced by C.
Protein change: p.Gly1157Arg; replaces glycine 1157 with arginine.
Molecular consequence: missense variant.
Genome position (GRCh38, 1-based): chr17:50,187,077, C>G on the plus strand (G>C on the coding strand, the complement: COL1A1 is on the minus strand). VCF-style: chr17-50187077-C-G. GRCh37 (hg19) VCF-style: chr17-48264438-C-G.
Other names: short protein forms G1157R.
Identifiers: ClinVar variation 993759 (VCV000993759.8), dbSNP rs1278821174, ClinGen allele CA400198831.